The following is an entry in ClinVar:

ClinVar aggregate classification (germline): Likely pathogenic (1 of 4 stars; one submission).

Conditions:
Renal hypodysplasia/aplasia 3 (RHDA3). Identifiers: MedGen C4540497, MONDO:0024520, OMIM 617805.

Submission:

3billion
Classification: Likely pathogenic for Renal hypodysplasia/aplasia 3. Last evaluated: 2025-10-31. Review status: criteria provided, single submitter. Criteria: ACMG Guidelines, 2015. Collection method: clinical testing. Allele origin: germline. Affected: yes.
Comment: The variant is observed at an extremely low frequency in the gnomAD v4.1.0 dataset (total allele frequency: <0.001%). Predicted Consequence/Location: Missense variant In silico tool predictions suggest damaging effect of the variant on gene or gene product [3Cnet: 0.81 (> 0.75, sensitivity 0.96 and precision 0.92)]. The same nucleotide change resulting in the same amino acid change has been previously reported to be associated with GREB1L-related disorder (PMID: 36371238 /3billion dataset). The variant has been observed in at least two similarly affected unrelated individuals (PMID: 36371238 /3billion dataset). The variant has been reported to co-segregate with the disease in at least 3 similarly affected relatives/individuals in the same family or similarly affected unrelated families (PMID: 36371238). Therefore, this variant is classified as Likely pathogenic according to the recommendation of ACMG/AMP guideline.

Literature cited by the submitters: PubMed 36371238.

NM_001142966.3(GREB1L):c.4507C>T (p.Arg1503Trp)

Gene: GREB1L (GREB1 like retinoic acid receptor coactivator; plus strand). Cytogenetic location: 18q11.2.
Variant type: single nucleotide variant.
Coding change: c.4507C>T on transcript NM_001142966.3 (MANE Select); coding-DNA position 4507, C replaced by T.
Protein change: p.Arg1503Trp; replaces arginine 1503 with tryptophan.
Molecular consequence: missense variant.
Genome position (GRCh38, 1-based): chr18:21,508,256, C>T. VCF-style: chr18-21508256-C-T. GRCh37 (hg19) VCF-style: chr18-19088217-C-T.
Other names: c.4636C>T, p.Arg1546Trp (NM_001410867.1); c.4180C>T, p.Arg1394Trp (NM_001410868.1); short protein forms R1394W, R1503W, R1546W.
Identifiers: ClinVar variation 1705688 (VCV001705688.2), dbSNP rs561529182, ClinGen allele CA401758015.